The following is an entry in ClinVar:

ClinVar aggregate classification (germline): Uncertain significance (1 of 4 stars; one submission).

Submission:

Labcorp Genetics (formerly Invitae), Labcorp
Classification: Uncertain significance. Last evaluated: 2022-02-20. Review status: criteria provided, single submitter. Criteria: Invitae Variant Classification Sherloc (09022015). Collection method: clinical testing. Allele origin: germline.
Comment: In summary, the available evidence is currently insufficient to determine the role of this variant in disease. Therefore, it has been classified as a Variant of Uncertain Significance. Experimental studies and prediction algorithms are not available or were not evaluated, and the functional significance of this variant is currently unknown. This variant has not been reported in the literature in individuals affected with CDHR1-related conditions. This variant is present in population databases (no rsID available, gnomAD no frequency). This variant, c.2098_2127dup, results in the insertion of 10 amino acid(s) of the CDHR1 protein (p.Lys700_Met709dup), but otherwise preserves the integrity of the reading frame.

NM_033100.4(CDHR1):c.2098_2127dup (p.Met709_Ala710insLysAlaValGlyValLeuAlaGlyThrMet)

Gene: CDHR1 (cadherin related family member 1; plus strand). Cytogenetic location: 10q23.1.
Variant type: Duplication.
Coding change: c.2098_2127dup on transcript NM_033100.4 (MANE Select); coding-DNA positions 2098 to 2127, 30 bases duplicated (AAGGCCGTGGGTGTGCTGGCCGGCACCATG).
Protein change: p.Met709_Ala710insLysAlaValGlyValLeuAlaGlyThrMet.
Molecular consequence: inframe insertion. On other transcripts: intron variant (1).
Genome position (GRCh38, 1-based): chr10:84,214,139-84,214,168, AAGGCCGTGGGTGTGCTGGCCGGCACCATG duplicated; duplicating any 30 consecutive bases within chr10:84,214,134-84,214,168 gives the same sequence; the c. name uses the placement nearest the transcript's 3' end. VCF-style (leftmost placement, unchanged base first): chr10-84214133-C-CCCATGAAGGCCGTGGGTGTGCTGGCCGGCA. GRCh37 (hg19) VCF-style: chr10-85973889-C-CCCATGAAGGCCGTGGGTGTGCTGGCCGGCA.
Other names: c.2040+791_2040+820dup (NM_001171971.3).
Identifiers: ClinVar variation 1952104 (VCV001952104.5), dbSNP rs1250116353, ClinGen allele CA594886862.
Genomic context (GRCh38, chr10:84,214,133, plus strand): 5'-CTCTTTCAGACCCTCTCCCGGAGCCCCATGGCTGCCTTCCTGATACAGACCAAGGACAAC[C>CCCATGAAGGCCGTGGGTGTGCTGGCCGGCA]CCATGAAGGCCGTGGGTGTGCTGGCCGGCACCATGGCCACCGTCGTGGCCATCACTGTCC-3'